The following is an entry in ClinVar:

ClinVar aggregate classification (germline): Conflicting classifications of pathogenicity. Review status: criteria provided, conflicting classifications (1 of 4 stars). 3 submissions from 3 submitters: Uncertain significance (2); Likely benign (1). Last evaluated 2025-04-17.

Conditions:
Acute myeloid leukemia (AML). Also called: Acute myeloid leukemia, adult; AML adult; Acute non-lymphocytic leukemia; Acute granulocytic leukemia; Leukemia, acute myeloid, somatic; Leukemia, acute myelogenous, somatic. Identifiers: Orphanet 519, MedGen C0023467, MeSH D015470, MONDO:0018874, OMIM 601626, HP:0004808. Disease mechanism: Constitutively activated FLT3.
Inborn genetic diseases. Identifiers: MedGen C0950123, MeSH D030342.

Allele frequency attached by ClinVar (database versions not stated): gnomAD 0.00001; TOPMed below 0.00001.

Submissions (3):

Ambry Genetics
Classification: Likely benign for Inborn genetic diseases. Last evaluated: 2025-04-17. Review status: criteria provided, single submitter. Criteria: Ambry Variant Classification Scheme 2023. Collection method: clinical testing. Allele origin: germline.

Labcorp Genetics (formerly Invitae), Labcorp
Classification: Uncertain significance for Acute myeloid leukemia. Last evaluated: 2023-11-22. Review status: criteria provided, single submitter. Criteria: Invitae Variant Classification Sherloc (09022015). Collection method: clinical testing. Allele origin: germline.
Comment: This sequence change replaces methionine, which is neutral and non-polar, with valine, which is neutral and non-polar, at codon 218 of the CEBPA protein (p.Met218Val). The frequency data for this variant in the population databases is considered unreliable, as metrics indicate insufficient coverage at this position in the gnomAD database. This variant has not been reported in the literature in individuals affected with CEBPA-related conditions. ClinVar contains an entry for this variant (Variation ID: 845899). Advanced modeling of protein sequence and biophysical properties (such as structural, functional, and spatial information, amino acid conservation, physicochemical variation, residue mobility, and thermodynamic stability) performed at Invitae indicates that this missense variant is not expected to disrupt CEBPA protein function with a negative predictive value of 80%. In summary, the available evidence is currently insufficient to determine the role of this variant in disease. Therefore, it has been classified as a Variant of Uncertain Significance.

GeneDx
Classification: Uncertain significance. Last evaluated: 2023-04-28. Review status: criteria provided, single submitter. Criteria: GeneDx Variant Classification Process June 2021. Collection method: clinical testing. Allele origin: germline. Affected: yes.
Comment: Not observed at significant frequency in large population cohorts (gnomAD); In silico analysis supports that this missense variant does not alter protein structure/function; Has not been previously published as pathogenic or benign to our knowledge; This variant is associated with the following publications: (PMID: 29127303)

NM_004364.5(CEBPA):c.652A>G (p.Met218Val)

Gene: CEBPA (CCAAT enhancer binding protein alpha; minus strand). Cytogenetic location: 19q13.11.
Variant type: single nucleotide variant.
Coding change: c.652A>G on transcript NM_004364.5 (MANE Select); coding-DNA position 652, A replaced by G.
Protein change: p.Met218Val; replaces methionine 218 with valine.
Molecular consequence: missense variant.
Genome position (GRCh38, 1-based): chr19:33,301,763, T>C on the plus strand (A>G on the coding strand, the complement: CEBPA is on the minus strand). VCF-style: chr19-33301763-T-C. GRCh37 (hg19) VCF-style: chr19-33792669-T-C.
Other names: c.295A>G, p.Met99Val (NM_001285829.2); c.757A>G, p.Met253Val (NM_001287424.2); c.610A>G, p.Met204Val (NM_001287435.2); c.652A>G (NM_004364.3); short protein forms M204V, M253V, M99V, M218V.
Identifiers: ClinVar variation 845899 (VCV000845899.12), dbSNP rs1378898437, ClinGen allele CA405274491.